The following is an entry in ClinVar:

ClinVar aggregate classification (germline): Uncertain significance. Review status: criteria provided, multiple submitters, no conflicts (2 of 4 stars). 2 submissions from 2 submitters: Uncertain significance (2). Last evaluated 2025-01-09.

Allele frequency attached by ClinVar (database versions not stated): gnomAD exomes 0.00002 and 0.00009; gnomAD 0.00004; ExAC 0.00008; TOPMed 0.00008.
gnomAD v4.1: 42 of 1,613,968 alleles (0.0026%); highest among the groups gnomAD compares: Admixed American, 0.047%; no homozygotes.

Submissions (2):

Ambry Genetics
Classification: Uncertain significance. Last evaluated: 2025-01-09. Review status: criteria provided, single submitter. Criteria: Ambry Variant Classification Scheme 2023. Collection method: clinical testing. Allele origin: germline.

Labcorp Genetics (formerly Invitae), Labcorp
Classification: Uncertain significance. Last evaluated: 2024-09-01. Review status: criteria provided, single submitter. Criteria: Invitae Variant Classification Sherloc (09022015). Collection method: clinical testing. Allele origin: germline.
Comment: This sequence change replaces glycine, which is neutral and non-polar, with alanine, which is neutral and non-polar, at codon 276 of the MYH7B protein (p.Gly276Ala). This variant is present in population databases (rs770823854, gnomAD 0.05%). This variant has not been reported in the literature in individuals affected with MYH7B-related conditions. ClinVar contains an entry for this variant (Variation ID: 1478792). Invitae Evidence Modeling of protein sequence and biophysical properties (such as structural, functional, and spatial information, amino acid conservation, physicochemical variation, residue mobility, and thermodynamic stability) indicates that this missense variant is expected to disrupt MYH7B protein function with a positive predictive value of 80%. In summary, the available evidence is currently insufficient to determine the role of this variant in disease. Therefore, it has been classified as a Variant of Uncertain Significance.

NM_020884.7(MYH7B):c.701G>C (p.Gly234Ala)

Gene: MYH7B (myosin heavy chain 7B; plus strand). Cytogenetic location: 20q11.22.
Variant type: single nucleotide variant.
Coding change: c.701G>C on transcript NM_020884.7 (MANE Select); coding-DNA position 701, G replaced by C.
Protein change: p.Gly234Ala; replaces glycine 234 with alanine.
Molecular consequence: missense variant.
Genome position (GRCh38, 1-based): chr20:34,984,906, G>C. VCF-style: chr20-34984906-G-C. GRCh37 (hg19) VCF-style: chr20-33572709-G-C.
Other names: c.827G>C (NM_020884.3); short protein forms G234A.
Identifiers: ClinVar variation 1478792 (VCV001478792.10), dbSNP rs770823854, ClinGen allele CA9826606.
Genomic context (GRCh38, chr20:34,984,906, plus strand): 5'-CGCCCCAGGGCACCCTTGAGGATCAAATCATCGAGGCCAACCCTGCCATGGAGGCCTTTG[G>C]CAACGCCAAGACCCTGAGGAATGATAACTCCTCCCGCTTTGTGAGTGGCTGAGGTGGGAG-3'
Protein context (NP_065935.4, residues 224-244): IEANPAMEAF[Gly234Ala]NAKTLRNDNS